The following is an entry in ClinVar:

NM_013339.4(ALG6):c.1087C>A (p.Pro363Thr)

Gene: ALG6 (ALG6 alpha-1,3-glucosyltransferase; plus strand). Cytogenetic location: 1p31.3.
Variant type: single nucleotide variant.
Coding change: c.1087C>A on transcript NM_013339.4 (MANE Select); coding-DNA position 1087, C replaced by A.
Protein change: p.Pro363Thr; replaces proline 363 with threonine.
Molecular consequence: missense variant.
Genome position (GRCh38, 1-based): chr1:63,428,761, C>A. VCF-style: chr1-63428761-C-A. GRCh37 (hg19) VCF-style: chr1-63894432-C-A.
Other names: short protein forms P363T.
Identifiers: ClinVar variation 1408920 (VCV001408920.3), dbSNP rs952006163, ClinGen allele CA23811818.

ClinVar aggregate classification (germline): Uncertain significance (1 of 4 stars; one submission).

Conditions:
ALG6-congenital disorder of glycosylation 1C (CDG1C). Also called: CARBOHYDRATE-DEFICIENT GLYCOPROTEIN SYNDROME, TYPE I, WITH DEFICIENT GLYCOSYLATION OF DOLICHOL-LINKED OLIGOSACCHARIDE; CARBOHYDRATE-DEFICIENT GLYCOPROTEIN SYNDROME, TYPE V; Congenital disorder of glycosylation type 1C; Congenital disorder of glycosylation, type Ic; CDG Ic. Identifiers: Orphanet 79320, MedGen C2930997, MONDO:0011291, OMIM 603147.

gnomAD v4.1: 7 of 1,608,614 alleles (0.00044%); highest among the groups gnomAD compares: African/African-American, 0.008%; no homozygotes.

Submission:

Labcorp Genetics (formerly Invitae), Labcorp
Classification: Uncertain significance for ALG6-congenital disorder of glycosylation 1C. Last evaluated: 2021-10-05. Review status: criteria provided, single submitter. Criteria: Invitae Variant Classification Sherloc (09022015). Collection method: clinical testing. Allele origin: germline.
Comment: This sequence change replaces proline with threonine at codon 363 of the ALG6 protein (p.Pro363Thr). The proline residue is highly conserved and there is a small physicochemical difference between proline and threonine. This variant is not present in population databases (ExAC no frequency). This variant has not been reported in the literature in individuals with ALG6-related conditions. Algorithms developed to predict the effect of missense changes on protein structure and function are either unavailable or do not agree on the potential impact of this missense change (SIFT: "Tolerated"; PolyPhen-2: "Probably Damaging"; Align-GVGD: "Class C0"). In summary, the available evidence is currently insufficient to determine the role of this variant in disease. Therefore, it has been classified as a Variant of Uncertain Significance.